The following is an entry in ClinVar:

NM_001286496.2(PIF1):c.222G>C (p.Ala74=)

Gene: PIF1 (PIF1 5'-to-3' DNA helicase; minus strand). Cytogenetic location: 15q22.31.
Variant type: single nucleotide variant.
Coding change: c.222G>C on transcript NM_001286496.2 (MANE Select); coding-DNA position 222, G replaced by C.
Protein change: p.Ala74=; no amino-acid change (alanine 74 retained).
Molecular consequence: synonymous variant.
Genome position (GRCh38, 1-based): chr15:64,824,114, C>G on the plus strand (G>C on the coding strand, the complement: PIF1 is on the minus strand). VCF-style: chr15-64824114-C-G. GRCh37 (hg19) VCF-style: chr15-65116313-C-G.
Other names: c.222G>C, p.Ala74= (NM_001286497.2, NM_025049.4); c.63G>C, p.Ala21= (NM_001286499.2).
Identifiers: ClinVar variation 4875140 (VCV004875140.2).

ClinVar aggregate classification (germline): Likely benign (1 of 4 stars; one submission).

gnomAD v4.1: 1 of 1,272,612 alleles (0.000079%); highest among the groups gnomAD compares: Non-Finnish European, 0.000099%; no homozygotes.

Submission:

CeGaT Center for Human Genetics Tuebingen
Classification: Likely benign. Last evaluated: 2026-05-01. Review status: criteria provided, single submitter. Criteria: CeGaT Center For Human Genetics Tuebingen Variant Classification Criteria Version 2. Collection method: clinical testing. Allele origin: germline. Affected: yes. Observed: 1 variant allele.
Comment: PIF1: BP4, BP7